The following is an entry in ClinVar:

NM_032620.4(GTPBP3):c.833C>T (p.Ser278Phe)

Gene: GTPBP3 (GTP binding protein 3, mitochondrial; plus strand). Cytogenetic location: 19p13.11.
Variant type: single nucleotide variant.
Coding change: c.833C>T on transcript NM_032620.4 (MANE Select); coding-DNA position 833, C replaced by T.
Protein change: p.Ser278Phe; replaces serine 278 with phenylalanine.
Molecular consequence: missense variant.
Genome position (GRCh38, 1-based): chr19:17,339,458, C>T. VCF-style: chr19-17339458-C-T. GRCh37 (hg19) VCF-style: chr19-17450267-C-T.
Other names: c.833C>T, p.Ser278Phe (NM_001128855.3); c.899C>T, p.Ser300Phe (NM_001195422.1); c.929C>T, p.Ser310Phe (NM_133644.4); c.929C>T (NM_133644.3); short protein forms S310F, S278F, S300F.
Identifiers: ClinVar variation 2080174 (VCV002080174.2), dbSNP rs780695614, ClinGen allele CA9293550.

ClinVar aggregate classification (germline): Uncertain significance. Review status: criteria provided, multiple submitters, no conflicts (2 of 4 stars). 2 submissions from 2 submitters: Uncertain significance (2). Last evaluated 2025-01-10.

Conditions:
Inborn genetic diseases. Identifiers: MedGen C0950123, MeSH D030342.

Allele frequency attached by ClinVar (database versions not stated): gnomAD 0.00003; TOPMed 0.00005.

Submissions (2):

Ambry Genetics
Classification: Uncertain significance for Inborn genetic diseases. Last evaluated: 2025-01-10. Review status: criteria provided, single submitter. Criteria: Ambry Variant Classification Scheme 2023. Collection method: clinical testing. Allele origin: germline.

Labcorp Genetics (formerly Invitae), Labcorp
Classification: Uncertain significance. Last evaluated: 2022-01-04. Review status: criteria provided, single submitter. Criteria: Invitae Variant Classification Sherloc (09022015). Collection method: clinical testing. Allele origin: germline.
Comment: This sequence change replaces serine, which is neutral and polar, with phenylalanine, which is neutral and non-polar, at codon 310 of the GTPBP3 protein (p.Ser310Phe). This variant is present in population databases (rs780695614, gnomAD 0.01%). This variant has not been reported in the literature in individuals affected with GTPBP3-related conditions. Algorithms developed to predict the effect of missense changes on protein structure and function are either unavailable or do not agree on the potential impact of this missense change (SIFT: "Deleterious"; PolyPhen-2: "Probably Damaging"; Align-GVGD: "Class C0"). In summary, the available evidence is currently insufficient to determine the role of this variant in disease. Therefore, it has been classified as a Variant of Uncertain Significance.